The following is an entry in ClinVar:

ClinVar aggregate classification (germline): Pathogenic/Likely pathogenic. Review status: criteria provided, multiple submitters, no conflicts (2 of 4 stars). 3 submissions from 3 submitters: Pathogenic (2); Likely pathogenic (1). Last evaluated 2024-04-09.

Conditions:
SCN2A-related disorder. Also called: SCN2A-related disorders; SCN2A-related condition. Identifiers: MedGen CN382226, MONDO:1060245.
Epileptic encephalopathy. Identifiers: MedGen C0543888, HP:0200134.

Submissions (3):

Blueprint Genetics
Classification: Pathogenic for SCN2A-related disorders. Last evaluated: 2024-04-09. Review status: criteria provided, single submitter. Criteria: ACMG Guidelines, 2015. Collection method: clinical testing. Allele origin: germline. Affected: yes. Observed: 1 variant allele.

Neurogenetics Laboratory - MEYER, AOU Meyer
Classification: Likely pathogenic for Epileptic encephalopathy. Last evaluated: 2016-11-16. Review status: criteria provided, single submitter. Criteria: ACMG Guidelines, 2015. Collection method: clinical testing. Allele origin: de novo. Affected: yes. Observed: 1 heterozygote.

GeneDx
Classification: Pathogenic. Last evaluated: 2014-09-18. Review status: criteria provided, single submitter. Criteria: GeneDx Variant Classification (06012015). Collection method: clinical testing. Allele origin: germline. Affected: yes.
Comment: p.Ala1316Val (GCT>GTT): c.3947 C>T in exon 21 of the SCN2A gene (NM_021007.2). The A1316V variant has not been published as a mutation, nor has it been reported as a benign polymorphism to our knowledge. It was not observed in approximately 6,500 individuals of European and African American ancestry in the NHLBI Exome Sequencing Project, indicating it is not a common benign variant in these populations. The A1316V variant is a conservative amino acid substitution, which is not likely to impact secondary protein structure as these residues share similar properties. However, this substitution occurs at a highly conserved position in the predicted transmembrane segment S4 of the third homologous domain and in silico analysis predicts this variant is probably damaging to the protein structure/function. This variant has been observed de novo without verified parentage. The variant is found in EPILEPSY panel(s).

NM_001040142.2(SCN2A):c.3947C>T (p.Ala1316Val)

Gene: SCN2A (sodium voltage-gated channel alpha subunit 2; plus strand). Cytogenetic location: 2q24.3.
Variant type: single nucleotide variant.
Coding change: c.3947C>T on transcript NM_001040142.2 (MANE Select); coding-DNA position 3947, C replaced by T.
Protein change: p.Ala1316Val; replaces alanine 1316 with valine.
Molecular consequence: missense variant.
Genome position (GRCh38, 1-based): chr2:165,373,322, C>T. VCF-style: chr2-165373322-C-T. GRCh37 (hg19) VCF-style: chr2-166229832-C-T.
Other names: p.A1316V:GCT>GTT; c.3947C>T, p.Ala1316Val (NM_001040143.2, NM_001371246.1, NM_001371247.1 and 1 more transcripts); short protein forms A1316V.
Identifiers: ClinVar variation 206991 (VCV000206991.3), dbSNP rs796053130, ClinGen allele CA317939.